The following is an entry in ClinVar:

ClinVar aggregate classification (germline): Pathogenic (1 of 4 stars; one submission).

Conditions:
Severe combined immunodeficiency due to DCLRE1C deficiency (RS-SCID). Also called: SCID, AUTOSOMAL RECESSIVE, T CELL-NEGATIVE, B CELL-NEGATIVE, NK CELL-POSITIVE, WITH SENSITIVITY TO IONIZING RADIATION. Identifiers: Orphanet 275, MedGen C1865371, MONDO:0011225, OMIM 602450.

Submission:

Labcorp Genetics (formerly Invitae), Labcorp
Classification: Pathogenic for Athabaskan severe combined immunodeficiency. Last evaluated: 2023-01-13. Review status: criteria provided, single submitter. Criteria: Invitae Variant Classification Sherloc (09022015). Collection method: clinical testing. Allele origin: germline.
Comment: For these reasons, this variant has been classified as Pathogenic. This variant has not been reported in the literature in individuals affected with DCLRE1C-related conditions. This variant is not present in population databases (gnomAD no frequency). This sequence change creates a premature translational stop signal (p.Leu223*) in the DCLRE1C gene. It is expected to result in an absent or disrupted protein product. Loss-of-function variants in DCLRE1C are known to be pathogenic (PMID: 21664875, 26123418).

Literature cited by the submitters: PubMed 21664875; PubMed 26123418.

NM_001033855.3(DCLRE1C):c.668T>G (p.Leu223Ter)

Gene: DCLRE1C (DNA cross-link repair 1C; minus strand). Cytogenetic location: 10p13.
Variant type: single nucleotide variant.
Coding change: c.668T>G on transcript NM_001033855.3 (MANE Select); coding-DNA position 668, T replaced by G.
Protein change: p.Leu223Ter; replaces leucine 223 with a stop codon.
Molecular consequence: nonsense. On other transcripts: non-coding transcript variant (4).
Genome position (GRCh38, 1-based): chr10:14,934,390, A>C on the plus strand (T>G on the coding strand, the complement: DCLRE1C is on the minus strand). VCF-style: chr10-14934390-A-C. GRCh37 (hg19) VCF-style: chr10-14976389-A-C.
Other names: c.308T>G, p.Leu103Ter (NM_001033857.3, NM_001033858.3, NM_001289077.2 and 2 more transcripts); c.323T>G, p.Leu108Ter (NM_001289076.2, NM_001289078.2, NM_001350966.2 and 1 more transcripts); c.668T>G, p.Leu223Ter (NM_001350965.2); short protein forms L103*, L108*, L223*.
Identifiers: ClinVar variation 2996868 (VCV002996868.3), dbSNP rs2492024060, ClinGen allele CA376059370.
Genomic context (GRCh38, chr10:14,934,390, plus strand): 5'-AAAAAAAAAAAAAAGAAAAAAGAAAAGAAAAGAATGAACAGTCACCATACCTGGACTCCT[A>C]ATTCTTCACTAAGGTTGGTGAACAGATATTCATAGCCATAAGCCGCTTTGCAGTTCAGCC-3'